The following is an entry in ClinVar:

NM_004655.4(AXIN2):c.1851G>A (p.Gln617=)

Gene: AXIN2 (axin 2; minus strand). Cytogenetic location: 17q24.1.
Variant type: single nucleotide variant.
Coding change: c.1851G>A on transcript NM_004655.4 (MANE Select); coding-DNA position 1851, G replaced by A.
Protein change: p.Gln617=; no amino-acid change (glutamine 617 retained).
Molecular consequence: synonymous variant. On other transcripts: intron variant (1).
Genome position (GRCh38, 1-based): chr17:65,536,925, C>T on the plus strand (G>A on the coding strand, the complement: AXIN2 is on the minus strand). VCF-style: chr17-65536925-C-T. GRCh37 (hg19) VCF-style: chr17-63533043-C-T.
Other names: c.1713-372G>A (NM_001363813.1).
Identifiers: ClinVar variation 3378987 (VCV003378987.2).

ClinVar aggregate classification (germline): Benign/Likely benign. Review status: criteria provided, multiple submitters, no conflicts (2 of 4 stars). 2 submissions from 2 submitters: Benign (1); Likely benign (1). Last evaluated 2026-04-10.

Conditions:
Oligodontia-cancer predisposition syndrome. Also called: TOOTH AGENESIS-COLORECTAL CANCER SYNDROME. Identifiers: Orphanet 300576, MedGen C1837750, MONDO:0012075, OMIM 608615. Disease mechanism: loss of function.
Hereditary cancer-predisposing syndrome. Also called: Neoplastic Syndromes, Hereditary; Tumor predisposition; Hereditary Cancer Syndrome; Hereditary neoplastic syndrome. Identifiers: Orphanet 140162, MedGen C0027672, MeSH D009386, MONDO:0015356.

Submissions (2):

Ambry Genetics
Classification: Likely benign for Hereditary cancer-predisposing syndrome. Last evaluated: 2026-04-10. Review status: criteria provided, single submitter. Criteria: Ambry Variant Classification Scheme 2023. Collection method: clinical testing. Allele origin: germline.

Myriad Genetics, Inc.
Classification: Benign for Oligodontia-cancer predisposition syndrome. Last evaluated: 2024-07-08. Review status: criteria provided, single submitter. Criteria: Myriad Autosomal Dominant, Autosomal Recessive and X-Linked Classification Criteria (2023). Collection method: clinical testing. Allele origin: unknown.
Comment: This variant is considered benign. This variant is a silent/synonymous amino acid change and it is not expected to impact splicing.